The following is an entry in ClinVar:

NM_000282.4(PCCA):c.1349C>G (p.Ser450Ter)

Gene: PCCA (propionyl-CoA carboxylase subunit alpha; plus strand). Cytogenetic location: 13q32.3.
Variant type: single nucleotide variant.
Coding change: c.1349C>G on transcript NM_000282.4 (MANE Select); coding-DNA position 1349, C replaced by G.
Protein change: p.Ser450Ter; replaces serine 450 with a stop codon.
Molecular consequence: nonsense. On other transcripts: non-coding transcript variant (5).
Genome position (GRCh38, 1-based): chr13:100,307,256, C>G. VCF-style: chr13-100307256-C-G. GRCh37 (hg19) VCF-style: chr13-100959510-C-G.
Other names: c.1271C>G, p.Ser424Ter (NM_001127692.3, NM_001352607.2); c.1349C>G, p.Ser450Ter (NM_001178004.2, NM_001352605.2, NM_001352609.2); c.1205C>G, p.Ser402Ter (NM_001352606.2); c.1127C>G, p.Ser376Ter (NM_001352608.2); c.404C>G, p.Ser135Ter (NM_001352610.2, NM_001352611.2); c.260C>G, p.Ser87Ter (NM_001352612.2); short protein forms S135*, S376*, S402*, S424*, S450*, S87*.
Identifiers: ClinVar variation 2677497 (VCV002677497.3), dbSNP rs2548143083, ClinGen allele CA388695725.

ClinVar aggregate classification (germline): Pathogenic/Likely pathogenic. Review status: criteria provided, multiple submitters, no conflicts (2 of 4 stars). 2 submissions from 2 submitters: Pathogenic (1); Likely pathogenic (1). Last evaluated 2024-02-18.

Conditions:
Propionic acidemia (PROP). Also called: GLYCINEMIA, KETOTIC; HYPERGLYCINEMIA WITH KETOACIDOSIS AND LEUKOPENIA; KETOTIC HYPERGLYCINEMIA. Identifiers: Orphanet 35, MedGen C0268579, MONDO:0011628, OMIM 606054, HP:0003571.

Submissions (2):

Labcorp Genetics (formerly Invitae), Labcorp
Classification: Pathogenic for Propionic acidemia. Last evaluated: 2024-02-18. Review status: criteria provided, single submitter. Criteria: Invitae Variant Classification Sherloc (09022015). Collection method: clinical testing. Allele origin: germline.
Comment: This sequence change creates a premature translational stop signal (p.Ser450*) in the PCCA gene. It is expected to result in an absent or disrupted protein product. Loss-of-function variants in PCCA are known to be pathogenic (PMID: 15464417). This variant is not present in population databases (gnomAD no frequency). This variant has not been reported in the literature in individuals affected with PCCA-related conditions. For these reasons, this variant has been classified as Pathogenic.

Baylor Genetics
Classification: Likely pathogenic for Propionic acidemia. Last evaluated: 2023-07-21. Review status: criteria provided, single submitter. Criteria: ACMG Guidelines, 2015. Collection method: clinical testing. Allele origin: unknown.

Literature cited by the submitters: PubMed 15464417 (cited by Labcorp Genetics (formerly Invitae), Labcorp).